The following is an entry in ClinVar:

ClinVar aggregate classification (germline): Uncertain significance (1 of 4 stars; one submission).

Submission:

GeneDx
Classification: Uncertain significance. Last evaluated: 2024-04-22. Review status: criteria provided, single submitter. Criteria: GeneDx Variant Classification Process June 2021. Collection method: clinical testing. Allele origin: germline. Affected: yes.
Comment: Not observed at significant frequency in large population cohorts (gnomAD); In silico analysis supports a deleterious effect on splicing; Has not been previously published as pathogenic or benign to our knowledge

NM_001395002.1(MAP4K4):c.2952G>A (p.Glu984=)

Gene: MAP4K4 (mitogen-activated protein kinase kinase kinase kinase 4; plus strand). Cytogenetic location: 2q11.2.
Variant type: single nucleotide variant.
Coding change: c.2952G>A on transcript NM_001395002.1 (MANE Select); coding-DNA position 2952, G replaced by A.
Protein change: p.Glu984=; no amino-acid change (glutamic acid 984 retained).
Molecular consequence: synonymous variant. On other transcripts: non-coding transcript variant (1), intron variant (29).
Genome position (GRCh38, 1-based): chr2:101,871,685, G>A. VCF-style: chr2-101871685-G-A. GRCh37 (hg19) VCF-style: chr2-102488147-G-A.
Other names: c.2784G>A, p.Glu928= (NM_001384477.1); c.2712G>A, p.Glu904= (NM_001384481.1); c.2547G>A, p.Glu849= (NM_001384483.1); c.2721G>A, p.Glu907= (NM_001384486.1); c.2688G>A, p.Glu896= (NM_001384487.1); c.2718G>A, p.Glu906= (NM_001384488.1); c.2856G>A, p.Glu952= (NM_001384492.1); c.2790G>A, p.Glu930= (NM_001384493.1); and 40 more.
Identifiers: ClinVar variation 3372608 (VCV003372608.1).